The following is an entry in ClinVar:

ClinVar aggregate classification (germline): Uncertain significance. Review status: criteria provided, multiple submitters, no conflicts (2 of 4 stars). 4 submissions from 4 submitters: Uncertain significance (3). 1 of the submissions does not count toward it. Last evaluated 2024-12-21.

Conditions:
Inborn genetic diseases. Identifiers: MedGen C0950123, MeSH D030342.
FANCM-related disorder. Also called: FANCM-related condition.

Allele frequency attached by ClinVar (database versions not stated): gnomAD exomes below 0.00001; gnomAD 0.00001; TOPMed 0.00002.
gnomAD v4.1: 3 of 1,613,946 alleles (0.00019%); highest among the groups gnomAD compares: African/African-American, 0.0013%; no homozygotes.

Submissions (4):

Ambry Genetics
Classification: Uncertain significance for Inborn genetic diseases. Last evaluated: 2024-12-21. Review status: criteria provided, single submitter. Criteria: Ambry Variant Classification Scheme 2023. Collection method: clinical testing. Allele origin: germline.
Comment: The p.Y1641C variant (also known as c.4922A>G), located in coding exon 20 of the FANCM gene, results from an A to G substitution at nucleotide position 4922. The tyrosine at codon 1641 is replaced by cysteine, an amino acid with highly dissimilar properties. This amino acid position is conserved. In addition, the in silico prediction for this alteration is inconclusive. Based on the available evidence, the clinical significance of this variant remains unclear.

Quest Diagnostics Nichols Institute San Juan Capistrano
Classification: Uncertain significance. Last evaluated: 2024-08-19. Review status: criteria provided, single submitter. Criteria: Quest Diagnostics criteria. Collection method: clinical testing. Allele origin: unknown.
Comment: The FANCM c.4922A>G (p.Tyr1641Cys) variant has not been reported in individuals with FANCM-related conditions in the published literature. The frequency of this variant in the general population, 0.0000066 (1/152242 chromosomes (Genome Aggregation Database)), is uninformative in the assessment of its pathogenicity. Analysis of this variant using bioinformatics tools for the prediction of the effect of amino acid changes on protein structure and function yielded conflicting predictions that this variant is benign or damaging. Based on the available information, we are unable to determine the clinical significance of this variant.

GeneDx
Classification: Uncertain significance. Last evaluated: 2023-05-03. Review status: criteria provided, single submitter. Criteria: GeneDx Variant Classification Process June 2021. Collection method: clinical testing. Allele origin: germline. Affected: yes.
Comment: Not observed at significant frequency in large population cohorts (gnomAD); In silico analysis supports that this missense variant has a deleterious effect on protein structure/function; Has not been previously published as pathogenic or benign to our knowledge

PreventionGenetics, part of Exact Sciences
Classification: Uncertain significance for FANCM-related condition. Last evaluated: 2024-07-03. Review status: no assertion criteria provided. Collection method: clinical testing. Allele origin: germline. Not counted in ClinVar's aggregate classification.
Comment: The FANCM c.4922A>G variant is predicted to result in the amino acid substitution p.Tyr1641Cys. To our knowledge, this variant has not been reported in the literature or in a large population database, indicating this variant is rare. At this time, the clinical significance of this variant is uncertain due to the absence of conclusive functional and genetic evidence.

NM_020937.4(FANCM):c.4922A>G (p.Tyr1641Cys)

Gene: FANCM (FA complementation group M; plus strand). Cytogenetic location: 14q21.2.
Variant type: single nucleotide variant.
Coding change: c.4922A>G on transcript NM_020937.4 (MANE Select); coding-DNA position 4922, A replaced by G.
Protein change: p.Tyr1641Cys; replaces tyrosine 1641 with cysteine.
Molecular consequence: missense variant.
Genome position (GRCh38, 1-based): chr14:45,188,944, A>G. VCF-style: chr14-45188944-A-G. GRCh37 (hg19) VCF-style: chr14-45658147-A-G.
Other names: c.4844A>G, p.Tyr1615Cys (NM_001308133.2); c.4922A>G (NM_020937.3); short protein forms Y1615C, Y1641C.
Identifiers: ClinVar variation 2274204 (VCV002274204.6), dbSNP rs947497193, ClinGen allele CA259635716.